The following is an entry in ClinVar:

NM_000337.6(SGCD):c.716C>T (p.Ala239Val)

Gene: SGCD (sarcoglycan delta; plus strand). Cytogenetic location: 5q33.3.
Variant type: single nucleotide variant.
Coding change: c.716C>T on transcript NM_000337.6 (MANE Select); coding-DNA position 716, C replaced by T.
Protein change: p.Ala239Val; replaces alanine 239 with valine.
Molecular consequence: missense variant.
Genome position (GRCh38, 1-based): chr5:156,759,233, C>T. VCF-style: chr5-156759233-C-T. GRCh37 (hg19) VCF-style: chr5-156186244-C-T.
Other names: c.713C>T, p.Ala238Val (NM_001128209.2); short protein forms A239V, A238V.
Identifiers: ClinVar variation 352336 (VCV000352336.9), dbSNP rs377153196, ClinGen allele CA3530683.

ClinVar aggregate classification (germline): Uncertain significance. Review status: criteria provided, multiple submitters, no conflicts (2 of 4 stars). 5 submissions from 4 submitters: Uncertain significance (5). Last evaluated 2023-02-08.

Conditions:
Dilated cardiomyopathy 1L (CMD1L). Identifiers: Orphanet 154, MedGen C1847667, MONDO:0011702, OMIM 606685.
Autosomal recessive limb-girdle muscular dystrophy type 2F (LGMDR6). Also called: MUSCULAR DYSTROPHY, LIMB-GIRDLE, AUTOSOMAL RECESSIVE 6; Muscular dystrophy limb-girdle with delta-sarcoglyan deficiency. Identifiers: Orphanet 219, MedGen C1832525, MONDO:0011028, OMIM 601287. Disease mechanism: Affects gamma-sarcoglycan and also disrupts the integrity of the entire sarcoglycan complex..
Qualitative or quantitative defects of delta-sarcoglycan. Identifiers: Orphanet 207070, MedGen C5680806, MONDO:0016144.

Allele frequency attached by ClinVar (database versions not stated): ExAC 0.00002; gnomAD exomes 0.00003; gnomAD 0.00004 and 0.00005; TOPMed 0.00004; ESP Exome Variant Server 0.00016.
gnomAD v4.1: 49 of 1,613,452 alleles (0.003%); highest among the groups gnomAD compares: East Asian, 0.011%; no homozygotes.

Submissions (5):

Genome-Nilou Lab
Classification: Uncertain significance for Autosomal recessive limb-girdle muscular dystrophy type 2F. Last evaluated: 2023-02-08. Review status: criteria provided, single submitter. Criteria: ACMG Guidelines, 2015. Collection method: clinical testing. Allele origin: germline.

Genome-Nilou Lab
Classification: Uncertain significance for Dilated cardiomyopathy 1L. Last evaluated: 2023-02-08. Review status: criteria provided, single submitter. Criteria: ACMG Guidelines, 2015. Collection method: clinical testing. Allele origin: germline.

Labcorp Genetics (formerly Invitae), Labcorp
Classification: Uncertain significance for Autosomal recessive limb-girdle muscular dystrophy type 2F. Last evaluated: 2022-08-15. Review status: criteria provided, single submitter. Criteria: Invitae Variant Classification Sherloc (09022015). Collection method: clinical testing. Allele origin: germline.
Comment: This sequence change replaces alanine, which is neutral and non-polar, with valine, which is neutral and non-polar, at codon 239 of the SGCD protein (p.Ala239Val). This variant is present in population databases (rs377153196, gnomAD 0.06%). This variant has not been reported in the literature in individuals affected with SGCD-related conditions. ClinVar contains an entry for this variant (Variation ID: 352336). Algorithms developed to predict the effect of missense changes on protein structure and function (SIFT, PolyPhen-2, Align-GVGD) all suggest that this variant is likely to be tolerated. Algorithms developed to predict the effect of sequence changes on RNA splicing suggest that this variant may disrupt the consensus splice site. In summary, the available evidence is currently insufficient to determine the role of this variant in disease. Therefore, it has been classified as a Variant of Uncertain Significance.

Fulgent Genetics
Classification: Uncertain significance for Autosomal recessive limb-girdle muscular dystrophy type 2F; Dilated cardiomyopathy 1L. Last evaluated: 2021-10-13. Review status: criteria provided, single submitter. Criteria: ACMG Guidelines, 2015. Collection method: clinical testing. Allele origin: unknown.

Illumina Laboratory Services, Illumina
Classification: Uncertain significance for Qualitative or quantitative defects of delta-sarcoglycan. Last evaluated: 2018-01-13. Review status: criteria provided, single submitter. Criteria: ICSL Variant Classification Criteria 13 December 2019. Collection method: clinical testing. Allele origin: germline.